The following is an entry in ClinVar:

NM_001323289.2(CDKL5):c.282+3_282+6del

Gene: CDKL5 (cyclin dependent kinase like 5; plus strand). Cytogenetic location: Xp22.13.
Variant type: Microsatellite.
Coding change: c.282+3_282+6del on transcript NM_001323289.2 (MANE Select); bases 3 to 6 of the intron after coding-DNA position 282, 4 bases deleted (AAGT; older notation c.282+3_282+6delAAGT).
Molecular consequence: splice donor variant.
Genome position (GRCh38, 1-based): chrX:18,575,493-18,575,496, AAGT deleted; deleting any 4 consecutive bases within chrX:18,575,489-18,575,496 gives the same sequence; the c. name uses the placement nearest the transcript's 3' end. VCF-style (leftmost placement, unchanged base first): chrX-18575488-AAAGT-A. GRCh37 (hg19) VCF-style: chrX-18593608-AAAGT-A.
Other names: NM_003159.3:c.282+3_282+6del; c.282+3_282+6del (NM_003159.3, NM_001037343.2).
Identifiers: ClinVar variation 3344008 (VCV003344008.1).

ClinVar aggregate classification (germline): Uncertain significance (1 of 4 stars; one submission).

Conditions:
CDKL5 disorder. Identifiers: MedGen CN296942, MONDO:0100039.

Submission:

Centre for Population Genomics, CPG
Classification: Uncertain significance for CDKL5 disorder. Last evaluated: 2024-09-24. Review status: criteria provided, single submitter. Criteria: McKnight et al. (Hum Mutat. 2022). Collection method: curation. Allele origin: germline. Inheritance: X-linked inheritance.
Comment: This variant has been collected from RettBASE and curated to current modified ACMG/AMP criteria. Based on the classification scheme defined by the ClinGen Rett/Angelman-like Expert Panel for Rett/AS-like Disorders Specifications to the ACMG/AMP Variant Interpretation Guidelines VCEP 3.0, this variant is classified as a variant of uncertain significance. At least the following criteria are met: met The computational splicing predictor SpliceAI supports a splicing alteration (score of >0.2 - DL: 1, DG: 0.74) (PP3_Splicing). This variant is absent from gnomAD v4 (PM2_Supporting).